The following is an entry in ClinVar:

ClinVar aggregate classification (germline): Pathogenic (1 of 4 stars; one submission).

Conditions:
Ellis-van Creveld syndrome (EVC). Also called: MESOECTODERMAL DYSPLASIA; Chondroectodermal dysplasia. Identifiers: Orphanet 289, MedGen C0013903, MONDO:0009162, OMIM 225500.

Submission:

Myriad Genetics, Inc.
Classification: Pathogenic for Ellis-van Creveld syndrome. Last evaluated: 2023-09-11. Review status: criteria provided, single submitter. Criteria: Myriad Autosomal Dominant, Autosomal Recessive and X-Linked Classification Criteria (2023). Collection method: clinical testing. Allele origin: unknown.
Comment: NM_153717.2(EVC):c.1147G>T(E383*) is expected to be pathogenic in the context of EVC-related Ellis-van Creveld syndrome. This variant is predicted to lead to an abnormal or absent protein product due to the creation of a premature termination codon in EVC, a gene where loss-of-function variants are known to be pathogenic. Please note: this variant was assessed in the context of healthy population screening.

NM_153717.3(EVC):c.1147G>T (p.Glu383Ter)

Gene: EVC (EvC ciliary complex subunit 1; plus strand). Cytogenetic location: 4p16.2.
Variant type: single nucleotide variant.
Coding change: c.1147G>T on transcript NM_153717.3 (MANE Select); coding-DNA position 1147, G replaced by T.
Protein change: p.Glu383Ter; replaces glutamic acid 383 with a stop codon.
Molecular consequence: nonsense.
Genome position (GRCh38, 1-based): chr4:5,752,884, G>T. VCF-style: chr4-5752884-G-T. GRCh37 (hg19) VCF-style: chr4-5754611-G-T.
Other names: c.1147G>T, p.Glu383Ter (NM_001306090.2, NM_001306092.2); short protein forms E383*.
Identifiers: ClinVar variation 5011648 (VCV005011648.1).